The following is an entry in ClinVar:

ClinVar aggregate classification (germline): Benign/Likely benign. Review status: criteria provided, multiple submitters, no conflicts (2 of 4 stars). 8 submissions from 8 submitters: Benign (2); Likely benign (5). 1 of the submissions does not count toward it. Last evaluated 2026-01-05.

Conditions:
MEN1-related disorder. Also called: MEN1-related condition.
Hereditary cancer-predisposing syndrome. Also called: Hereditary Cancer Syndrome; Tumor predisposition; Hereditary neoplastic syndrome; Neoplastic Syndromes, Hereditary. Identifiers: Orphanet 140162, MedGen C0027672, MeSH D009386, MONDO:0015356.
Multiple endocrine neoplasia, type 1 (MEN1). Also called: MEN I; WERMER SYNDROME; Endocrine adenomatosis multiple; MEN 1; MEA I. Identifiers: Orphanet 652, MedGen C0025267, MeSH D018761, MONDO:0007540, OMIM 131100.

Allele frequency attached by ClinVar (database versions not stated): gnomAD exomes 0.00001; ExAC 0.00002; gnomAD 0.00002; TOPMed 0.00004.
gnomAD v4.1: 17 of 1,614,004 alleles (0.0011%); highest among the groups gnomAD compares: African/African-American, 0.0067%; no homozygotes.

Submissions (8):

Labcorp Genetics (formerly Invitae), Labcorp
Classification: Likely benign for Multiple endocrine neoplasia, type 1. Last evaluated: 2026-01-05. Review status: criteria provided, single submitter. Criteria: Invitae Variant Classification Sherloc (09022015). Collection method: clinical testing. Allele origin: germline.

KCCC/NGS Laboratory, Kuwait Cancer Control Center
Classification: Benign for Multiple endocrine neoplasia, type 1. Last evaluated: 2025-02-01. Review status: criteria provided, single submitter. Criteria: ACMG Guidelines, 2015. Collection method: clinical testing. Allele origin: germline. Affected: no.

Myriad Genetics, Inc.
Classification: Benign for Multiple endocrine neoplasia, type 1. Last evaluated: 2024-11-01. Review status: criteria provided, single submitter. Criteria: Myriad Autosomal Dominant, Autosomal Recessive and X-Linked Classification Criteria (2023). Collection method: clinical testing. Allele origin: unknown.
Comment: This variant is considered benign. This variant is a silent/synonymous amino acid change and it is not expected to impact splicing.

All of Us Research Program, National Institutes of Health
Classification: Likely benign for Multiple endocrine neoplasia, type 1. Last evaluated: 2023-06-26. Review status: criteria provided, single submitter. Criteria: ACMG Guidelines, 2015. Collection method: clinical testing. Allele origin: germline. Inheritance: Autosomal dominant inheritance. Observed: 3 variant alleles, 3 heterozygotes.
Comment: This study involves interpretation of variants in research participants for the purpose of population health screening. Participant phenotype was not available at the time of variant classification. Additional details can be found in publication PMID: 35346344, PMCID: PMC8962531

Color Diagnostics, LLC DBA Color Health
Classification: Likely benign for Multiple endocrine neoplasia, type 1. Last evaluated: 2022-02-03. Review status: criteria provided, single submitter. Criteria: ACMG Guidelines, 2015. Collection method: clinical testing. Allele origin: germline.

Blueprint Genetics
Classification: Likely benign. Last evaluated: 2021-07-28. Review status: criteria provided, single submitter. Criteria: ACMG Guidelines, 2015. Collection method: clinical testing. Allele origin: germline.

Ambry Genetics
Classification: Likely benign for Hereditary cancer-predisposing syndrome. Last evaluated: 2016-03-26. Review status: criteria provided, single submitter. Criteria: Ambry Variant Classification Scheme 2023. Collection method: clinical testing. Allele origin: germline.

PreventionGenetics, part of Exact Sciences
Classification: Likely benign for MEN1-related condition. Last evaluated: 2024-08-27. Review status: no assertion criteria provided. Collection method: clinical testing. Allele origin: germline. Not counted in ClinVar's aggregate classification.
Comment: This variant is classified as likely benign based on ACMG/AMP sequence variant interpretation guidelines (Richards et al. 2015 PMID: 25741868, with internal and published modifications).

NM_001370259.2(MEN1):c.639C>T (p.Ala213=)

Gene: MEN1 (menin 1; minus strand). Cytogenetic location: 11q13.1.
Variant type: single nucleotide variant.
Coding change: c.639C>T on transcript NM_001370259.2 (MANE Select); coding-DNA position 639, C replaced by T.
Protein change: p.Ala213=; no amino-acid change (alanine 213 retained).
Molecular consequence: synonymous variant. On other transcripts: intron variant (2).
Genome position (GRCh38, 1-based): chr11:64,807,906, G>A on the plus strand (C>T on the coding strand, the complement: MEN1 is on the minus strand). VCF-style: chr11-64807906-G-A. GRCh37 (hg19) VCF-style: chr11-64575378-G-A.
Other names: c.654C>T, p.Ala218= (NM_000244.4, NM_130800.3, NM_130801.3 and 3 more transcripts); c.639C>T, p.Ala213= (NM_001370251.2, NM_001370260.2, NM_001370261.2 and 1 more transcripts); c.549+90C>T (NM_001370263.2, NM_001370262.2); c.654C>T (NM_000244.3).
Identifiers: ClinVar variation 241819 (VCV000241819.21), dbSNP rs746067825, ClinGen allele CA061341.